The following is an entry in ClinVar:

ClinVar aggregate classification (germline): Uncertain significance. Review status: criteria provided, multiple submitters, no conflicts (2 of 4 stars). 2 submissions from 2 submitters: Uncertain significance (2). Last evaluated 2017-04-27.

Conditions:
Fanconi anemia complementation group P. Also called: SLX4-Related Fanconi Anemia. Identifiers: Orphanet 84, MedGen C3469542, MONDO:0013499, OMIM 613951.

Allele frequency attached by ClinVar (database versions not stated): 1000 Genomes Project 30x 0.00016; 1000 Genomes Project 0.00020; gnomAD 0.00039 and 0.00041; TOPMed 0.00043; gnomAD exomes 0.00065.
gnomAD v4.1: 602 of 966,154 alleles (0.062%); highest among the groups gnomAD compares: Middle Eastern, 0.47%; 1 homozygote.

Submissions (2):

Illumina Laboratory Services, Illumina
Classification: Uncertain significance for Fanconi anemia complementation group P. Last evaluated: 2017-04-27. Review status: criteria provided, single submitter. Criteria: ICSL Variant Classification Criteria 13 December 2019. Collection method: clinical testing. Allele origin: germline.
Comment: This variant was observed as part of a predisposition screen in an ostensibly healthy population. A literature search was performed for the gene, cDNA change, and amino acid change (where applicable). Publications were found based on this search. However, the evidence from the literature, in combination with allele frequency data from public databases where available, was not sufficient to rule this variant in or out of causing disease. Therefore, this variant is classified as a variant of unknown significance.

Breakthrough Genomics
Classification: Uncertain significance. Review status: criteria provided, single submitter. Criteria: ACMG Guidelines, 2015. Collection method: not provided. Allele origin: germline. Inheritance: Autosomal recessive inheritance. Affected: yes.

Literature cited by the submitters: PubMed 22401137 (cited by Illumina Laboratory Services, Illumina).

NM_032444.4(SLX4):c.*102G>A

Gene: SLX4 (SLX4 structure-specific endonuclease subunit; minus strand). Cytogenetic location: 16p13.3.
Variant type: single nucleotide variant.
Coding change: c.*102G>A on transcript NM_032444.4 (MANE Select); 102 bases downstream of the stop codon, G replaced by A.
Molecular consequence: 3 prime UTR variant.
Genome position (GRCh38, 1-based): chr16:3,582,240, C>T on the plus strand (G>A on the coding strand, the complement: SLX4 is on the minus strand). VCF-style: chr16-3582240-C-T. GRCh37 (hg19) VCF-style: chr16-3632241-C-T.
Identifiers: ClinVar variation 888301 (VCV000888301.5), dbSNP rs531417263, ClinGen allele CA276951534.